The following is an entry in ClinVar:

NM_001386135.1(AFF3):c.2527T>C (p.Ser843Pro)

Gene: AFF3 (ALF transcription elongation factor 3; minus strand). Cytogenetic location: 2q11.2.
Variant type: single nucleotide variant.
Coding change: c.2527T>C on transcript NM_001386135.1 (MANE Select); coding-DNA position 2527, T replaced by C.
Protein change: p.Ser843Pro; replaces serine 843 with proline.
Molecular consequence: missense variant.
Genome position (GRCh38, 1-based): chr2:99,587,218, A>G on the plus strand (T>C on the coding strand, the complement: AFF3 is on the minus strand). VCF-style: chr2-99587218-A-G. GRCh37 (hg19) VCF-style: chr2-100203680-A-G.
Other names: c.2602T>C, p.Ser868Pro (NM_001025108.2); c.2527T>C, p.Ser843Pro (NM_002285.3); short protein forms S843P, S868P.
Identifiers: ClinVar variation 3368321 (VCV003368321.1).
Genomic context (GRCh38, chr2:99,587,218, plus strand): 5'-TGATGTTCATGTTGCAGTGGTTTGCAGACAAAGTATTACTGGTGGAGGTGGCCAGTCTTG[A>G]AGAGCTGTCTTTCTCTCCCTGGGACTTCTTGATCTCCCTGTAGTCGTCTTCGTTGTCACA-3'
Protein context (NP_001373064.1, residues 833-853): KKSQGEKDSS[Ser843Pro]RLATSTSNTL

ClinVar aggregate classification (germline): Uncertain significance (1 of 4 stars; one submission).

Submission:

GeneDx
Classification: Uncertain significance. Last evaluated: 2024-01-24. Review status: criteria provided, single submitter. Criteria: GeneDx Variant Classification Process June 2021. Collection method: clinical testing. Allele origin: germline. Affected: yes.
Comment: Not observed at significant frequency in large population cohorts (gnomAD); In silico analysis supports that this missense variant does not alter protein structure/function; Has not been previously published as pathogenic or benign to our knowledge